The following is an entry in ClinVar:

NM_058216.3(RAD51C):c.706-9T>C

Gene: RAD51C (RAD51 paralog C; plus strand). Cytogenetic location: 17q22.
Variant type: single nucleotide variant.
Coding change: c.706-9T>C on transcript NM_058216.3 (MANE Select); 9 bases into the intron before coding-DNA position 706, T replaced by C.
Molecular consequence: intron variant.
Genome position (GRCh38, 1-based): chr17:58,709,850, T>C. VCF-style: chr17-58709850-T-C. GRCh37 (hg19) VCF-style: chr17-56787211-T-C.
Identifiers: ClinVar variation 415840 (VCV000415840.13), dbSNP rs1060504671, ClinGen allele CA16615745.

ClinVar aggregate classification (germline): Likely benign. Review status: criteria provided, multiple submitters, no conflicts (2 of 4 stars). 3 submissions from 3 submitters: Likely benign (3). Last evaluated 2025-02-18.

Conditions:
Fanconi anemia complementation group O. Also called: RAD51C-Related Fanconi Anemia. Identifiers: Orphanet 84, MedGen C3150653, MONDO:0013248, OMIM 613390.
Breast-ovarian cancer, familial, susceptibility to, 3. Also called: RAD51C-Related Breast/Ovarian Cancer. Identifiers: Orphanet 145, MedGen C3150659, MONDO:0013253, OMIM 613399.

Allele frequency attached by ClinVar (database versions not stated): gnomAD below 0.00001 and 0.00001; gnomAD exomes below 0.00001; TOPMed below 0.00001.
gnomAD v4.1: 2 of 1,599,564 alleles (0.00013%); highest among the groups gnomAD compares: South Asian, 0.0022%; no homozygotes.

Submissions (3):

Myriad Genetics, Inc.
Classification: Likely benign for Breast-ovarian cancer, familial, susceptibility to, 3. Last evaluated: 2025-02-18. Review status: criteria provided, single submitter. Criteria: Myriad Autosomal Dominant, Autosomal Recessive and X-Linked Classification Criteria (2023). Collection method: clinical testing. Allele origin: unknown.
Comment: This variant is considered likely benign. This variant is intronic and is not expected to impact mRNA splicing.

Labcorp Genetics (formerly Invitae), Labcorp
Classification: Likely benign for Fanconi anemia complementation group O. Last evaluated: 2023-04-22. Review status: criteria provided, single submitter. Criteria: Invitae Variant Classification Sherloc (09022015). Collection method: clinical testing. Allele origin: germline.

Department of Pathology and Laboratory Medicine, Sinai Health System
Classification: Likely benign for Breast-ovarian cancer, familial, susceptibility to, 3. Last evaluated: 2021-01-15. Review status: criteria provided, single submitter. Criteria: ACMG Guidelines, 2015. Collection method: clinical testing. Allele origin: germline. Affected: yes.